The following is an entry in ClinVar:

NM_021222.3(PRUNE1):c.196C>T (p.Arg66Ter)

Gene: PRUNE1 (prune exopolyphosphatase 1; plus strand). Cytogenetic location: 1q21.3.
Variant type: single nucleotide variant.
Coding change: c.196C>T on transcript NM_021222.3 (MANE Select); coding-DNA position 196, C replaced by T.
Protein change: p.Arg66Ter; replaces arginine 66 with a stop codon.
Molecular consequence: nonsense. On other transcripts: 5 prime UTR variant (1), intron variant (1).
Genome position (GRCh38, 1-based): chr1:151,018,530, C>T. VCF-style: chr1-151018530-C-T. GRCh37 (hg19) VCF-style: chr1-150991006-C-T.
Other names: c.196C>T, p.Arg66Ter (NM_001303242.2); c.-64C>T (NM_001303243.2); c.-212+626C>T (NM_001303229.2); short protein forms R66*.
Identifiers: ClinVar variation 430526 (VCV000430526.49), dbSNP rs137929776, ClinGen allele CA1083724.

ClinVar aggregate classification (germline): Pathogenic/Likely pathogenic. Review status: criteria provided, multiple submitters, no conflicts (2 of 4 stars). 4 submissions from 4 submitters: Pathogenic (3); Likely pathogenic (1). Last evaluated 2025-05-20.

Conditions:
Neurodevelopmental disorder with microcephaly, hypotonia, and variable brain anomalies (NMIHBA). Identifiers: Orphanet 544469, MedGen C4479566, MONDO:0060490, OMIM 617481.

Allele frequency attached by ClinVar (database versions not stated): ExAC 0.00002; gnomAD exomes 0.00002; gnomAD 0.00003; TOPMed 0.00003; ESP Exome Variant Server 0.00008.
gnomAD v4.1: 33 of 1,613,268 alleles (0.002%); highest among the groups gnomAD compares: African/African-American, 0.0027%; no homozygotes.

Submissions (4):

Revvity Omics, Revvity
Classification: Pathogenic for Neurodevelopmental disorder with microcephaly, hypotonia, and variable brain anomalies. Last evaluated: 2025-05-20. Review status: criteria provided, single submitter. Criteria: ACMG Guidelines, 2015. Collection method: clinical testing. Allele origin: germline.

Women's Health and Genetics/Laboratory Corporation of America, LabCorp
Classification: Pathogenic for Neurodevelopmental disorder with microcephaly, hypotonia, and variable brain anomalies. Last evaluated: 2024-05-03. Review status: criteria provided, single submitter. Criteria: LabCorp Variant Classification Summary - May 2015. Collection method: clinical testing. Allele origin: germline.
Comment: Variant summary: PRUNE1 c.196C>T (p.Arg66X) results in a premature termination codon, predicted to cause a truncation of the encoded protein or absence of the protein due to nonsense mediated decay, which are commonly known mechanisms for disease. The variant allele was found at a frequency of 2.4e-05 in 251448 control chromosomes. To our knowledge, no occurrence of c.196C>T in individuals affected with Neurodevelopmental Disorder With Microcephaly, Hypotonia, And Variable Brain Anomalies and no experimental evidence demonstrating its impact on protein function have been reported. ClinVar contains an entry for this variant (Variation ID: 430526). Based on the evidence outlined above, the variant was classified as pathogenic.

GeneDx
Classification: Pathogenic. Last evaluated: 2023-02-02. Review status: criteria provided, single submitter. Criteria: GeneDx Variant Classification Process June 2021. Collection method: clinical testing. Allele origin: germline. Affected: yes.
Comment: Nonsense variant predicted to result in protein truncation or nonsense mediated decay in a gene for which loss-of-function is a known mechanism of disease; Has not been previously published as pathogenic or benign to our knowledge

CeGaT Center for Human Genetics Tuebingen
Classification: Likely pathogenic. Last evaluated: 2020-03-01. Review status: criteria provided, single submitter. Criteria: CeGaT Center For Human Genetics Tuebingen Variant Classification Criteria Version 2. Collection method: clinical testing. Allele origin: germline. Affected: yes. Observed: 3 variant alleles.